The following is an entry in ClinVar:

ClinVar aggregate classification (germline): Uncertain significance. Review status: criteria provided, multiple submitters, no conflicts (2 of 4 stars). 2 submissions from 2 submitters: Uncertain significance (2). Last evaluated 2026-04-14.

Conditions:
Progressive familial intrahepatic cholestasis type 2. Identifiers: Orphanet 79304, MedGen C3489789, MONDO:0011156, OMIM 601847.
Familial intrahepatic cholestasis. Identifiers: Orphanet 284385, MedGen CN296401, MONDO:0017290.

Submissions (2):

Genomenon, Inc
Classification: Uncertain significance for Familial intrahepatic cholestasis. Last evaluated: 2026-04-14. Review status: criteria provided, single submitter. Criteria: Genomenon Sequence Variant Interpretation Standards - Updated. Collection method: curation. Allele origin: germline. Affected: yes.
Comment: ABCB11 p.Gly870Arg (c.2608G>A) is a missense variant that changes the amino acid at residue 870 from Glycine to Arginine. This variant has been observed in at least one individual with transient neonatal cholestasis (PMID:32808743). It is absent or not present at a significant frequency in gnomAD. In silico models predict that this variant is possibly or probably damaging. In conclusion, we classify ABCB11 p.Gly870Arg (c.2608G>A) as a variant of uncertain significance.

Broad Center for Mendelian Genomics, Broad Institute of MIT and Harvard
Classification: Uncertain significance for Progressive familial intrahepatic cholestasis type 2. Last evaluated: 2025-01-24. Review status: criteria provided, single submitter. Criteria: ACMG Guidelines, 2015. Collection method: curation. Allele origin: germline. Inheritance: Autosomal recessive inheritance.
Comment: The p.Gly870Arg variant in ABCB11 has been reported, in the compound heterozygous state, in 1 individual with BSEP deficiency (PMID: 32808743), and has been identified in 0.003% (2/58782) of Latino/Admixed American chromosomes by the Genome Aggregation Database (gnomAD; dbSNP rs952745163). Although this variant has been seen in the general population in a heterozygous state, its frequency is low enough to be consistent with a recessive carrier frequency. Computational prediction tools and conservation analyses suggest that this variant may impact the protein, though this information is not predictive enough to determine pathogenicity. In summary, the clinical significance of the p.Gly870Arg variant is uncertain. ACMG/AMP Criteria applied: PP3_moderate, PM3, PM2_supporting (Richards 2015).

Literature cited by the submitters: PubMed 32808743 (cited by Genomenon, Inc).

NM_003742.4(ABCB11):c.2608G>A (p.Gly870Arg)

Gene: ABCB11 (ATP binding cassette subfamily B member 11; minus strand). Cytogenetic location: 2q31.1.
Variant type: single nucleotide variant.
Coding change: c.2608G>A on transcript NM_003742.4 (MANE Select); coding-DNA position 2608, G replaced by A.
Protein change: p.Gly870Arg; replaces glycine 870 with arginine.
Molecular consequence: missense variant.
Genome position (GRCh38, 1-based): chr2:168,944,607, C>T on the plus strand (G>A on the coding strand, the complement: ABCB11 is on the minus strand). VCF-style: chr2-168944607-C-T. GRCh37 (hg19) VCF-style: chr2-169801117-C-T.
Other names: NM_003742.4:c.2608G>A; short protein forms G870R.
Identifiers: ClinVar variation 3776851 (VCV003776851.2).